The following is an entry in ClinVar:

NM_152564.5(VPS13B):c.11453_11454insC (p.His3819fs)

Gene: VPS13B (vacuolar protein sorting 13 homolog B; plus strand). Cytogenetic location: 8q22.2.
Variant type: Insertion.
Coding change: c.11453_11454insC on transcript NM_152564.5 (MANE Select); coding-DNA positions 11453 to 11454, C inserted.
Protein change: p.His3819fs; shifts the reading frame from histidine 3819.
Molecular consequence: frameshift variant.
Genome position: GRCh38 VCF-style: chr8-99870845-T-TC. GRCh37 (hg19) VCF-style: chr8-100883073-T-TC.
Other names: c.11528_11529insC, p.His3844fs (NM_017890.5); short protein forms H3819fs, H3844fs.
Identifiers: ClinVar variation 2859221 (VCV002859221.3), dbSNP rs2492368462, ClinGen allele CA2739268948.
Genomic context (GRCh38, chr8:99,870,845, plus strand): 5'-GTATTTTACATGGAGCTGGACTTTCTCAGCTTCCCAAACAGCGCCATCAGCCAAGTGATC[T>TC]ACATGCTGACCAGGCTCCAAACAGCCATGTCAAATATGTCTGGTAAAATTATTGAGATAC-3'

ClinVar aggregate classification (germline): Pathogenic (1 of 4 stars; one submission).

Conditions:
Cohen syndrome (COH1). Also called: Cutis verticis gyrata, retinitis pigmentosa, and sensorineural deafness; PEPPER SYNDROME. Identifiers: Orphanet 193, MedGen C0265223, MONDO:0008999, OMIM 216550.

Submission:

Labcorp Genetics (formerly Invitae), Labcorp
Classification: Pathogenic for Cohen syndrome. Last evaluated: 2023-04-25. Review status: criteria provided, single submitter. Criteria: Invitae Variant Classification Sherloc (09022015). Collection method: clinical testing. Allele origin: germline.
Comment: This variant has not been reported in the literature in individuals affected with VPS13B-related conditions. For these reasons, this variant has been classified as Pathogenic. This variant is not present in population databases (gnomAD no frequency). This sequence change creates a premature translational stop signal (p.His3844Thrfs*3) in the VPS13B gene. It is expected to result in an absent or disrupted protein product. Loss-of-function variants in VPS13B are known to be pathogenic (PMID: 15141358, 16648375, 20461111).

Literature cited by the submitters: PubMed 15141358; PubMed 16648375; PubMed 20461111.